The following is an entry in ClinVar:

NM_001367624.2(ZNF469):c.2975C>G (p.Pro992Arg)

Gene: ZNF469 (zinc finger protein 469; plus strand). Cytogenetic location: 16q24.2.
Variant type: single nucleotide variant.
Coding change: c.2975C>G on transcript NM_001367624.2 (MANE Select); coding-DNA position 2975, C replaced by G.
Protein change: p.Pro992Arg; replaces proline 992 with arginine.
Molecular consequence: missense variant.
Genome position (GRCh38, 1-based): chr16:88,430,445, C>G. VCF-style: chr16-88430445-C-G. GRCh37 (hg19) VCF-style: chr16-88496853-C-G.
Other names: short protein forms P992R.
Identifiers: ClinVar variation 1383494 (VCV001383494.5), dbSNP rs2142302913, ClinGen allele CA397076501.

ClinVar aggregate classification (germline): Uncertain significance (1 of 4 stars; one submission).

Submission:

Labcorp Genetics (formerly Invitae), Labcorp
Classification: Uncertain significance. Last evaluated: 2021-09-26. Review status: criteria provided, single submitter. Criteria: Invitae Variant Classification Sherloc (09022015). Collection method: clinical testing. Allele origin: germline.
Comment: Algorithms developed to predict the effect of missense changes on protein structure and function output the following: SIFT: "Deleterious"; PolyPhen-2: "Benign"; Align-GVGD: "Class C0". The arginine amino acid residue is found in multiple mammalian species, which suggests that this missense change does not adversely affect protein function. In summary, the available evidence is currently insufficient to determine the role of this variant in disease. Therefore, it has been classified as a Variant of Uncertain Significance. This variant has not been reported in the literature in individuals affected with ZNF469-related conditions. This sequence change replaces proline with arginine at codon 992 of the ZNF469 protein (p.Pro992Arg). The proline residue is moderately conserved and there is a moderate physicochemical difference between proline and arginine. The frequency data for this variant in the population databases is considered unreliable, as metrics indicate insufficient coverage at this position in the ExAC database.